The following is an entry in ClinVar:

ClinVar aggregate classification (germline): Pathogenic (1 of 4 stars; one submission).

Submission:

Labcorp Genetics (formerly Invitae), Labcorp
Classification: Pathogenic. Last evaluated: 2025-12-03. Review status: criteria provided, single submitter. Criteria: Invitae Variant Classification Sherloc (09022015). Collection method: clinical testing. Allele origin: germline.
Comment: This sequence change creates a premature translational stop signal (p.Glu983Glyfs*12) in the TONSL gene. It is expected to result in an absent or disrupted protein product. Loss-of-function variants in TONSL are known to be pathogenic (PMID: 30773277). This variant is present in population databases (no rsID available, gnomAD 0.0009%). This variant has not been reported in the literature in individuals affected with TONSL-related conditions. For these reasons, this variant has been classified as Pathogenic.

Literature cited by the submitters: PubMed 30773277.

NM_013432.5(TONSL):c.2948_2949del (p.Glu983fs)

Gene: TONSL (tonsoku like, DNA repair protein; minus strand). Cytogenetic location: 8q24.3.
Variant type: Microsatellite.
Coding change: c.2948_2949del on transcript NM_013432.5 (MANE Select); coding-DNA positions 2948 to 2949, 2 bases deleted (AG; older notation c.2948_2949delAG).
Protein change: p.Glu983fs; shifts the reading frame from glutamic acid 983.
Molecular consequence: frameshift variant.
Genome position (GRCh38, 1-based): chr8:144,435,074-144,435,075, CT deleted on the plus strand (AG on the coding strand, the reverse complement: TONSL is on the minus strand); deleting any 2 consecutive bases within chr8:144,435,074-144,435,077 gives the same sequence; the c. name uses the placement nearest the transcript's 3' end. VCF-style (leftmost placement, unchanged base first): chr8-144435073-CCT-C. GRCh37 (hg19) VCF-style: chr8-145660456-CCT-C.
Other names: short protein forms E983fs.
Identifiers: ClinVar variation 2837378 (VCV002837378.3), dbSNP rs1396762844, ClinGen allele CA586164369.